The following is an entry in ClinVar:

NM_000059.4(BRCA2):c.3849A>G (p.Val1283=)

Gene: BRCA2 (BRCA2 DNA repair associated; plus strand). Cytogenetic location: 13q13.1.
Variant type: single nucleotide variant.
Coding change: c.3849A>G on transcript NM_000059.4 (MANE Select); coding-DNA position 3849, A replaced by G.
Protein change: p.Val1283=; no amino-acid change (valine 1283 retained).
Molecular consequence: synonymous variant.
Genome position (GRCh38, 1-based): chr13:32,338,204, A>G. VCF-style: chr13-32338204-A-G. GRCh37 (hg19) VCF-style: chr13-32912341-A-G.
Identifiers: ClinVar variation 921608 (VCV000921608.13), dbSNP rs1214830867, ClinGen allele CA483437992.

ClinVar aggregate classification (germline): Likely benign. Review status: criteria provided, multiple submitters, no conflicts (2 of 4 stars). 4 submissions from 4 submitters: Likely benign (4). Last evaluated 2025-09-24.

Conditions:
Hereditary cancer-predisposing syndrome. Also called: Neoplastic Syndromes, Hereditary; Tumor predisposition; Hereditary Cancer Syndrome; Hereditary neoplastic syndrome. Identifiers: Orphanet 140162, MedGen C0027672, MeSH D009386, MONDO:0015356.
Hereditary breast ovarian cancer syndrome. Also called: BRCA1- and BRCA2-Associated Hereditary Breast and Ovarian Cancer; Hereditary breast and ovarian cancer syndrome; Hereditary breast and ovarian cancer; Hereditary breast and ovarian cancer syndrome (HBOC); Breast and ovarian cancer; Hereditary breast and/or ovarian cancer syndrome. Identifiers: Orphanet 145, MedGen C0677776, MeSH D061325, MONDO:0003582. Disease mechanism: loss of function.

gnomAD v4.1: 1 of 1,547,228 alleles (0.000065%); no homozygotes.

Submissions (4):

Labcorp Genetics (formerly Invitae), Labcorp
Classification: Likely benign for Hereditary breast ovarian cancer syndrome. Last evaluated: 2025-09-24. Review status: criteria provided, single submitter. Criteria: Invitae Variant Classification Sherloc (09022015). Collection method: clinical testing. Allele origin: germline.

Ambry Genetics
Classification: Likely benign for Hereditary cancer-predisposing syndrome. Last evaluated: 2024-11-16. Review status: criteria provided, single submitter. Criteria: Ambry Variant Classification Scheme 2023. Collection method: clinical testing. Allele origin: germline.

Molecular Diagnostics Laboratory, Catalan Institute of Oncology
Classification: Likely benign for Hereditary cancer-predisposing syndrome. Last evaluated: 2024-10-21. Review status: criteria provided, single submitter. Criteria: ClinGen BRCA1BRCA2 ACMG Specifications BRCA2 V1.0.0. Collection method: clinical testing. Allele origin: germline.
Comment: PM2_Supporting, BP1_Strong c.3849A>G, located outside any (potentially) clinically important functional domain of BRCA2, is predicted to result in no splicing alteration (according to SpliceAI) and no amino acid change, p.(Val1283=) (BP1_Strong). It is not present in the population database gnomAD v2.1.1, non cancer dataset (PM2_supporting). To our knowledge, neither relevant clinical data nor well-stablished functional studies have been reported for this variant. The variant has been reported in ClinVar** (2x PPOL). Based on the currently available information, c.3849A>G is classified as a likely benign variant according to ClinGen-BRCA2 Guidelines version v1.0.0.

Color Diagnostics, LLC DBA Color Health
Classification: Likely benign for Hereditary cancer-predisposing syndrome. Last evaluated: 2018-10-09. Review status: criteria provided, single submitter. Criteria: ACMG Guidelines, 2015. Collection method: clinical testing. Allele origin: germline.